The following is an entry in ClinVar:

ClinVar aggregate classification (germline): Benign. Review status: criteria provided, single submitter (1 of 4 stars). 2 submissions from 2 submitters: Benign (1). 1 of the submissions does not count toward it. Last evaluated 2025-02-03.

Conditions:
ESR2-related disorder. Also called: ESR2-related condition.

Allele frequency attached by ClinVar (database versions not stated): 1000 Genomes Project 30x 0.00031; ExAC 0.00030; ESP Exome Variant Server 0.00100; 1000 Genomes Project 0.00040; gnomAD exomes 0.00012; gnomAD 0.00109; TOPMed 0.00137.
gnomAD v4.1: 347 of 1,612,410 alleles (0.022%); highest among the groups gnomAD compares: African/African-American, 0.41%; 1 homozygote.

Submissions (2):

Labcorp Genetics (formerly Invitae), Labcorp
Classification: Benign. Last evaluated: 2025-02-03. Review status: criteria provided, single submitter. Criteria: Invitae Variant Classification Sherloc (09022015). Collection method: clinical testing. Allele origin: germline.

PreventionGenetics, part of Exact Sciences
Classification: Benign for ESR2-related condition. Last evaluated: 2019-11-25. Review status: no assertion criteria provided. Collection method: clinical testing. Allele origin: germline. Not counted in ClinVar's aggregate classification.
Comment: This variant is classified as benign based on ACMG/AMP sequence variant interpretation guidelines (Richards et al. 2015 PMID: 25741868, with internal and published modifications).

NM_001437.3(ESR2):c.953-10C>T

Gene: ESR2 (estrogen receptor 2; minus strand). Cytogenetic location: 14q23.2.
Variant type: single nucleotide variant.
Coding change: c.953-10C>T on transcript NM_001437.3 (MANE Select); 10 bases into the intron before coding-DNA position 953, C replaced by T.
Molecular consequence: intron variant. On other transcripts: non-coding transcript variant (1).
Genome position (GRCh38, 1-based): chr14:64,257,374, G>A on the plus strand (C>T on the coding strand, the complement: ESR2 is on the minus strand). VCF-style: chr14-64257374-G-A. GRCh37 (hg19) VCF-style: chr14-64724092-G-A.
Other names: c.953-10C>T (NM_001437.2, NM_001291712.2, NM_001291723.1 and 3 more transcripts); c.952+3075C>T (NM_001271877.1).
Identifiers: ClinVar variation 2057970 (VCV002057970.6), dbSNP rs201005626, ClinGen allele CA7225359.
Genomic context (GRCh38, chr14:64,257,374, plus strand): 5'-AACAGCTCTCCAAGAGCCGCACTTGGTCGAACAGGCTGAGCTCCACAAAGCCTGGGGAAA[G>A]CAAGAGGCGGTGAGACACCCCCACCCCTCCTCCTCAGCTCCCTGTGTGTGTAGAGACAGA-3'